The following is an entry in ClinVar:

NM_000257.4(MYH7):c.298G>A (p.Ala100Thr)

Gene: MYH7 (myosin heavy chain 7; minus strand). Cytogenetic location: 14q11.2.
Variant type: single nucleotide variant.
Coding change: c.298G>A on transcript NM_000257.4 (MANE Select); coding-DNA position 298, G replaced by A.
Protein change: p.Ala100Thr; replaces alanine 100 with threonine.
Molecular consequence: missense variant.
Genome position (GRCh38, 1-based): chr14:23,433,131, C>T on the plus strand (G>A on the coding strand, the complement: MYH7 is on the minus strand). VCF-style: chr14-23433131-C-T. GRCh37 (hg19) VCF-style: chr14-23902340-C-T.
Other names: short protein forms A100T.
Identifiers: ClinVar variation 180430 (VCV000180430.20), dbSNP rs730880154, ClinGen allele CA013285.

ClinVar aggregate classification (germline): Uncertain significance. Review status: criteria provided, multiple submitters, no conflicts (2 of 4 stars). 6 submissions from 6 submitters: Uncertain significance (6). Last evaluated 2025-06-04.

Conditions:
Cardiovascular phenotype. Identifiers: MedGen CN230736.
Cardiomyopathy (CMYO). Also called: Cardiomyopathies. Identifiers: Orphanet 167848, MedGen C0878544, MONDO:0004994, HP:0001638. Inheritance: Various modes of inheritance.
Hypertrophic cardiomyopathy. Also called: HYPERTROPHIC MYOCARDIOPATHY. Identifiers: Orphanet 217569, MedGen C0007194, MeSH D002312, MONDO:0005045, HP:0001639.

Allele frequency attached by ClinVar (database versions not stated): TOPMed below 0.00001; gnomAD 0.00001; 1000 Genomes Project 30x 0.00016.

Submissions (6):

Labcorp Genetics (formerly Invitae), Labcorp
Classification: Uncertain significance for Hypertrophic cardiomyopathy. Last evaluated: 2025-06-04. Review status: criteria provided, single submitter. Criteria: Invitae Variant Classification Sherloc (09022015). Collection method: clinical testing. Allele origin: germline.
Comment: This sequence change replaces alanine, which is neutral and non-polar, with threonine, which is neutral and polar, at codon 100 of the MYH7 protein (p.Ala100Thr). This variant is present in population databases (rs730880154, gnomAD 0.003%). This missense change has been observed in individual(s) with hypertrophic cardiomyopathy and/or dilated cardiomyopathy (PMID: 22765922, 25351510, 26084686, 27532257). ClinVar contains an entry for this variant (Variation ID: 180430). Invitae Evidence Modeling of protein sequence and biophysical properties (such as structural, functional, and spatial information, amino acid conservation, physicochemical variation, residue mobility, and thermodynamic stability) indicates that this missense variant is expected to disrupt MYH7 protein function with a positive predictive value of 95%. In summary, the available evidence is currently insufficient to determine the role of this variant in disease. Therefore, it has been classified as a Variant of Uncertain Significance.

All of Us Research Program, National Institutes of Health
Classification: Uncertain significance for Cardiomyopathy. Last evaluated: 2023-09-17. Review status: criteria provided, single submitter. Criteria: ACMG Guidelines, 2015. Collection method: clinical testing. Allele origin: germline. Inheritance: Autosomal dominant inheritance. Observed: 2 variant alleles, 2 heterozygotes.
Comment: This missense variant replaces alanine with threonine at codon 100 of the MYH7 protein. Computational prediction is inconclusive regarding the impact of this variant on protein structure and function (internally defined REVEL score threshold 0.5 < inconclusive < 0.7, PMID: 27666373). To our knowledge, functional studies have not been reported for this variant. This variant has been reported in an individual affected with dilated cardiomyopathy (PMID: 26084686). It has also been reported in two unrelated individuals affected with hypertrophic cardiomyopathy who both carried additional pathogenic variants (PMID: 22765922, 23396983, 23870641, 25351510, 26654849, 27532257, 28356264). This variant has been identified in 4/251476 chromosomes in the general population by the Genome Aggregation Database (gnomAD). The available evidence is insufficient to determine the role of this variant in disease conclusively. Therefore, this variant is classified as a Variant of Uncertain Significance.

This study involves interpretation of variants in research participants for the purpose of population health screening. Participant phenotype was not available at the time of variant classification. Additional details can be found in publication PMID: 35346344, PMCID: PMC8962531

Color Diagnostics, LLC DBA Color Health
Classification: Uncertain significance for Cardiomyopathy. Last evaluated: 2023-08-03. Review status: criteria provided, single submitter. Criteria: ACMG Guidelines, 2015. Collection method: clinical testing. Allele origin: germline.
Comment: This missense variant replaces alanine with threonine at codon 100 of the MYH7 protein. Computational prediction is inconclusive regarding the impact of this variant on protein structure and function (internally defined REVEL score threshold 0.5 < inconclusive < 0.7, PMID: 27666373). To our knowledge, functional studies have not been reported for this variant. This variant has been reported in an individual affected with dilated cardiomyopathy (PMID: 26084686). It has also been reported in two unrelated individuals affected with hypertrophic cardiomyopathy who both carried additional pathogenic variants (PMID: 22765922, 23396983, 23870641, 25351510, 26654849, 27532257, 28356264). This variant has been identified in 4/251476 chromosomes in the general population by the Genome Aggregation Database (gnomAD). The available evidence is insufficient to determine the role of this variant in disease conclusively. Therefore, this variant is classified as a Variant of Uncertain Significance.

Ambry Genetics
Classification: Uncertain significance for Cardiovascular phenotype. Last evaluated: 2023-02-21. Review status: criteria provided, single submitter. Criteria: Ambry Variant Classification Scheme 2023. Collection method: clinical testing. Allele origin: germline.
Comment: The p.A100T variant (also known as c.298G>A), located in coding exon 2 of the MYH7 gene, results from a G to A substitution at nucleotide position 298. The alanine at codon 100 is replaced by threonine, an amino acid with similar properties. This variant has been detected in hypertrophic cardiomyopathy cohorts; however, case reports may overlap and some individuals also had mutations other cardiomyopathy-related genes (Coto E et al. J Mol Diagn, 2012 Sep;14:518-24; Reguero JR et al. Int J Cardiol, 2013 Oct;168:4555-6; Lopes LR et al. J Med Genet, 2013 Apr;50:228-39; Lopes LR et al. Heart, 2015 Feb;101:294-301; G&oacute;mez J et al. Rev Esp Cardiol (Engl Ed), 2016 Jan;69:61-8; Walsh R et al. Genet Med, 2017 02;19:192-203). This variant has also been detected in an individual from a dilated cardiomyopathy cohort; however, details were limited (Akinrinade O et al. Eur Heart J, 2015 Sep;36:2327-37). This alteration was also noted in a biobank cohort (Park J et al. Hum Mol Genet, 2022 Mar;31:827-837). This amino acid position is well conserved in available vertebrate species. In addition, this alteration is predicted to be deleterious by in silico analysis. Since supporting evidence is limited at this time, the clinical significance of this alteration remains unclear.

Blueprint Genetics
Classification: Uncertain significance. Last evaluated: 2021-10-19. Review status: criteria provided, single submitter. Criteria: ACMG Guidelines, 2015. Collection method: clinical testing. Allele origin: germline.

Laboratory for Molecular Medicine, Mass General Brigham Personalized Medicine
Classification: Uncertain significance. Last evaluated: 2016-10-20. Review status: criteria provided, single submitter. Criteria: LMM Criteria. Collection method: clinical testing. Allele origin: germline.
Comment: Variant identified in a genome or exome case(s) and assessed due to predicted null impact of the variant or pathogenic assertions in the literature or databases. Disclaimer: This variant has not undergone full assessment. No segregation data; ClinVar: LP by Blueprint

Literature cited by the submitters: PubMed 22765922 (cited by 4 submitters); PubMed 25351510 (cited by 4 submitters); PubMed 26084686 (cited by 4 submitters); PubMed 27532257 (cited by 4 submitters); PubMed 23396983 (cited by 3 submitters); PubMed 23870641 (cited by 3 submitters); PubMed 26654849 (cited by 3 submitters); PubMed 28356264 (cited by 3 submitters); PubMed 29631964 (cited by Ambry Genetics); PubMed 34542152 (cited by Ambry Genetics).